The following is an entry in ClinVar:

ClinVar aggregate classification (germline): Uncertain significance (1 of 4 stars; one submission).

Conditions:
Klippel-Feil syndrome 1, autosomal dominant (KFS1). Also called: CERVICAL VERTEBRAL FUSION, AUTOSOMAL DOMINANT. Identifiers: Orphanet 2345, MedGen C1861689, MONDO:0007306, OMIM 118100.
Leber congenital amaurosis 17 (LCA17). Identifiers: Orphanet 65, MedGen C3715164, MONDO:0014145, OMIM 615360.
Isolated microphthalmia 4. Identifiers: Orphanet 2542, MedGen C2751307, MONDO:0013130, OMIM 613094.
Microphthalmia, isolated, with coloboma 6 (MCOPCB6). Also called: Microphthalmia with coloboma 6, digenic; Microphthalmia with coloboma 6; MICROPHTHALMIA/COLOBOMA 6. Identifiers: Orphanet 98938, MedGen C3150968, MONDO:0013376, OMIM 613703.

Allele frequency attached by ClinVar (database versions not stated): gnomAD exomes below 0.00001.

Submission:

Labcorp Genetics (formerly Invitae), Labcorp
Classification: Uncertain significance for Isolated microphthalmia 4; Leber congenital amaurosis 17; Klippel-Feil syndrome 1, autosomal dominant; Microphthalmia, isolated, with coloboma 6. Last evaluated: 2020-08-06. Review status: criteria provided, single submitter. Criteria: Invitae Variant Classification Sherloc (09022015). Collection method: clinical testing. Allele origin: germline.
Comment: In summary, the available evidence is currently insufficient to determine the role of this variant in disease. Therefore, it has been classified as a Variant of Uncertain Significance. Algorithms developed to predict the effect of sequence changes on RNA splicing suggest that this variant may create or strengthen a splice site, but this prediction has not been confirmed by published transcriptional studies. Algorithms developed to predict the effect of missense changes on protein structure and function (SIFT, PolyPhen-2, Align-GVGD) all suggest that this variant is likely to be disruptive, but these predictions have not been confirmed by published functional studies and their clinical significance is uncertain. This variant has not been reported in the literature in individuals with GDF6-related conditions. This variant is not present in population databases (ExAC no frequency). This sequence change replaces methionine with arginine at codon 410 of the GDF6 protein (p.Met410Arg). The methionine residue is highly conserved and there is a moderate physicochemical difference between methionine and arginine.

NM_001001557.4(GDF6):c.1229T>G (p.Met410Arg)

Gene: GDF6 (growth differentiation factor 6; minus strand). Cytogenetic location: 8q22.1.
Variant type: single nucleotide variant.
Coding change: c.1229T>G on transcript NM_001001557.4 (MANE Select); coding-DNA position 1229, T replaced by G.
Protein change: p.Met410Arg; replaces methionine 410 with arginine.
Molecular consequence: missense variant.
Genome position (GRCh38, 1-based): chr8:96,144,702, A>C on the plus strand (T>G on the coding strand, the complement: GDF6 is on the minus strand). VCF-style: chr8-96144702-A-C. GRCh37 (hg19) VCF-style: chr8-97156930-A-C.
Other names: short protein forms M410R.
Identifiers: ClinVar variation 1026389 (VCV001026389.8), dbSNP rs1812440547, ClinGen allele CA371749773.